The following is an entry in ClinVar:

ClinVar aggregate classification (germline): Uncertain significance. Review status: criteria provided, single submitter (1 of 4 stars). 2 submissions from 2 submitters: Uncertain significance (1). 1 of the submissions does not count toward it. Last evaluated 2021-09-24.

Conditions:
Fatal mitochondrial disease due to combined oxidative phosphorylation defect type 3. Also called: Combined oxidative phosphorylation deficiency 3; ENCEPHALOMYOPATHY, RESPIRATORY FAILURE, AND LACTIC ACIDOSIS. Identifiers: Orphanet 168566, MedGen C1864840, MONDO:0012512, OMIM 610505.

Submissions (2):

Labcorp Genetics (formerly Invitae), Labcorp
Classification: Uncertain significance. Last evaluated: 2021-09-24. Review status: criteria provided, single submitter. Criteria: Invitae Variant Classification Sherloc (09022015). Collection method: clinical testing. Allele origin: germline.
Comment: This sequence change replaces glycine with glutamic acid at codon 73 of the TSFM protein (p.Gly73Glu). The glycine residue is moderately conserved and there is a moderate physicochemical difference between glycine and glutamic acid. This variant is not present in population databases (ExAC no frequency). This variant has not been reported in the literature in individuals with TSFM-related conditions. Algorithms developed to predict the effect of missense changes on protein structure and function output the following: SIFT: "Tolerated"; PolyPhen-2: "Benign"; Align-GVGD: "Class C0". The glutamic acid amino acid residue is found in multiple mammalian species, suggesting that this missense change does not adversely affect protein function. These predictions have not been confirmed by published functional studies and their clinical significance is uncertain. In summary, the available evidence is currently insufficient to determine the role of this variant in disease. Therefore, it has been classified as a Variant of Uncertain Significance.

Natera, Inc.
Classification: Uncertain significance for Combined oxidative phosphorylation deficiency 3. Last evaluated: 2025-01-30. Review status: no assertion criteria provided. Collection method: clinical testing. Allele origin: germline. Not counted in ClinVar's aggregate classification.

NM_005726.6(TSFM):c.218G>A (p.Gly73Glu)

Gene: TSFM (Ts translation elongation factor, mitochondrial; plus strand). Cytogenetic location: 12q14.1.
Variant type: single nucleotide variant.
Coding change: c.218G>A on transcript NM_005726.6 (MANE Select); coding-DNA position 218, G replaced by A.
Protein change: p.Gly73Glu; replaces glycine 73 with glutamic acid.
Molecular consequence: missense variant.
Genome position (GRCh38, 1-based): chr12:57,783,270, G>A. VCF-style: chr12-57783270-G-A. GRCh37 (hg19) VCF-style: chr12-58177053-G-A.
Other names: c.218G>A, p.Gly73Glu (NM_001172695.2, NM_001172696.2, NM_001172697.2); c.218G>A (NM_001172696.1); short protein forms G73E.
Identifiers: ClinVar variation 1360885 (VCV001360885.6), dbSNP rs371423703, ClinGen allele CA385523985.
Genomic context (GRCh38, chr12:57,783,270, plus strand): 5'-TGCGGCGGAAAACAGGCTACTCCTTTGTAAATTGCAAGAAAGCTCTGGAGACTTGTGGCG[G>A]GGACCTCAAACAGGTGTGTGTGTGGAGGGGTGCAGGGCGGAGTACTAGAGCTCGACCTCA-3'
Protein context (NP_005717.3, residues 63-83): NCKKALETCG[Gly73Glu]DLKQAEIWLH